The following is an entry in ClinVar:

ClinVar aggregate classification (germline): Pathogenic. Review status: criteria provided, multiple submitters, no conflicts (2 of 4 stars). 7 submissions from 7 submitters: Pathogenic (6). 1 of the submissions does not count toward it. Last evaluated 2025-06-01.

Conditions:
TCF12-related disorder. Also called: TCF12-related condition.
TCF12-related craniosynostosis. Also called: Craniosynostosis 3. Identifiers: Orphanet 35098, Orphanet 35099, Orphanet 672979, MedGen C3715051, MONDO:0014128, OMIM 615314.

Allele frequency attached by ClinVar (database versions not stated): gnomAD exomes below 0.00001; TOPMed below 0.00001; ExAC 0.00001; gnomAD 0.00001.
gnomAD v4.1: 3 of 1,614,032 alleles (0.00019%); highest among the groups gnomAD compares: Non-Finnish European, 0.00025%; no homozygotes.

Submissions (7):

Labcorp Genetics (formerly Invitae), Labcorp
Classification: Pathogenic. Last evaluated: 2025-06-01. Review status: criteria provided, single submitter. Criteria: Invitae Variant Classification Sherloc (09022015). Collection method: clinical testing. Allele origin: germline.
Comment: This sequence change creates a premature translational stop signal (p.Arg626*) in the TCF12 gene. It is expected to result in an absent or disrupted protein product. Loss-of-function variants in TCF12 are known to be pathogenic (PMID: 23354436, 32620954). This variant is present in population databases (rs758543580, gnomAD 0.0009%). This premature translational stop signal has been observed in individual(s) with craniosynostosis (PMID: 29215649). ClinVar contains an entry for this variant (Variation ID: 374377). For these reasons, this variant has been classified as Pathogenic.

Dasa
Classification: Pathogenic. Last evaluated: 2025-05-28. Review status: criteria provided, single submitter. Criteria: DASA Assertion Criteria. Collection method: clinical testing. Allele origin: germline.
Comment: NM_207037.2(TCF12):c.1876C>T (p.Arg626*) introduces a premature termination codon predicted to result in loss of normal protein function. Loss-of-function is an established mechanism of disease for this gene. This variant has been reported in individuals with related phenotype (PMID: 29215649). The variant is present at low frequency in population datasets. Based on the available data, this variant is classified as pathogenic.

GeneDx
Classification: Pathogenic. Last evaluated: 2024-11-26. Review status: criteria provided, single submitter. Criteria: GeneDx Variant Classification Process June 2021. Collection method: clinical testing. Allele origin: germline. Affected: yes.
Comment: Nonsense variant predicted to result in protein truncation or nonsense mediated decay in a gene for which loss of function is a known mechanism of disease; Not observed at significant frequency in large population cohorts (gnomAD); This variant is associated with the following publications: (PMID: 33004838, 29215649)

CeGaT Center for Human Genetics Tuebingen
Classification: Pathogenic. Last evaluated: 2023-11-01. Review status: criteria provided, single submitter. Criteria: CeGaT Center For Human Genetics Tuebingen Variant Classification Criteria Version 2. Collection method: clinical testing. Allele origin: germline. Affected: yes. Observed: 1 variant allele.
Comment: TCF12: PVS1, PM2, PS4:Supporting

Blueprint Genetics
Classification: Pathogenic for TCF12-related disorders. Last evaluated: 2021-12-15. Review status: criteria provided, single submitter. Criteria: ACMG Guidelines, 2015. Collection method: clinical testing. Allele origin: germline. Affected: yes. Observed: 3 variant alleles.

AiLife Diagnostics
Classification: Pathogenic. Last evaluated: 2021-12-02. Review status: criteria provided, single submitter. Criteria: ACMG Guidelines, 2015. Collection method: clinical testing. Allele origin: de novo. Affected: yes. Observed: 1 variant allele.

Baylor Genetics
Classification: Pathogenic for TCF12-related craniosynostosis. Last evaluated: 2016-05-01. Review status: no assertion criteria provided. Collection method: clinical testing. Allele origin: paternal. Inheritance: Autosomal dominant inheritance. Affected: yes. Not counted in ClinVar's aggregate classification.

Literature cited by the submitters: PubMed 23354436 (cited by Labcorp Genetics (formerly Invitae), Labcorp); PubMed 32620954 (cited by Labcorp Genetics (formerly Invitae), Labcorp); PubMed 29215649 (cited by 3 submitters).

NM_207037.2(TCF12):c.1876C>T (p.Arg626Ter)

Gene: TCF12 (transcription factor 12; plus strand). Cytogenetic location: 15q21.3.
Variant type: single nucleotide variant.
Coding change: c.1876C>T on transcript NM_207037.2 (MANE Select); coding-DNA position 1876, C replaced by T.
Protein change: p.Arg626Ter; replaces arginine 626 with a stop codon.
Molecular consequence: nonsense.
Genome position (GRCh38, 1-based): chr15:57,273,160, C>T. VCF-style: chr15-57273160-C-T. GRCh37 (hg19) VCF-style: chr15-57565358-C-T.
Other names: c.1366C>T, p.Arg456Ter (NM_001306219.3); c.1096C>T, p.Arg366Ter (NM_001306220.3); c.1876C>T, p.Arg626Ter (NM_001322151.2, NM_001322159.3, NM_001322162.2 and 1 more transcripts); c.1873C>T, p.Arg625Ter (NM_001322152.2, NM_001322161.2); c.1219C>T, p.Arg407Ter (NM_001322154.2); c.1702C>T, p.Arg568Ter (NM_001322156.2); c.1804C>T, p.Arg602Ter (NM_001322157.3, NM_001322165.2, NM_003205.4 and 1 more transcripts); c.1630C>T, p.Arg544Ter (NM_001322158.2); and 2 more; short protein forms R626*, R366*, R432*, R544*, R614*, R625*, R407*, R456*.
Identifiers: ClinVar variation 374377 (VCV000374377.35), dbSNP rs758543580, ClinGen allele CA7581376.